The following is an entry in ClinVar:

ClinVar aggregate classification (germline): Conflicting classifications of pathogenicity. Review status: criteria provided, conflicting classifications (1 of 4 stars). 2 submissions from 2 submitters: Uncertain significance (1); Likely benign (1). Last evaluated 2026-01-17.

Conditions:
Leigh syndrome (NULS). Also called: LEIGH SYNDROME, NUCLEAR; Leigh Disease; Subacute necrotizing encephalopathy; Necrotizing encephalopathy infantile subacute of Leigh; Leigh Syndrome (mtDNA deletion); Leigh's syndrome. Identifiers: Orphanet 506, MedGen C2931891, MONDO:0009723, OMIM 256000.

gnomAD v4.1: 6 of 1,613,592 alleles (0.00037%); highest among the groups gnomAD compares: African/African-American, 0.0013%; no homozygotes.

Submissions (2):

Labcorp Genetics (formerly Invitae), Labcorp
Classification: Likely benign for Leigh syndrome. Last evaluated: 2026-01-17. Review status: criteria provided, single submitter. Criteria: Invitae Variant Classification Sherloc (09022015). Collection method: clinical testing. Allele origin: germline.

Women's Health and Genetics/Laboratory Corporation of America, LabCorp
Classification: Uncertain significance. Last evaluated: 2025-10-07. Review status: criteria provided, single submitter. Criteria: LabCorp Variant Classification Summary - May 2015. Collection method: clinical testing. Allele origin: germline.
Comment: Variant summary: SURF1 c.324-19T>G alters a non-conserved nucleotide located at a position not widely known to affect splicing. Several computational tools predict a significant impact on normal splicing: Three predict the variant weakens a 3' acceptor site. However, these predictions have yet to be confirmed by functional studies. The variant allele was found at a frequency of 4e-06 in 250972 control chromosomes. The available data on variant occurrences in the general population are insufficient to allow any conclusion about variant significance. To our knowledge, no occurrence of c.324-19T>G in individuals affected with SURF1-related conditions and no experimental evidence demonstrating its impact on protein function have been reported. ClinVar contains an entry for this variant (Variation ID: 1584065). Based on the evidence outlined above, the variant was classified as uncertain significance.

NM_003172.4(SURF1):c.324-19T>G

Gene: SURF1 (SURF1 cytochrome c oxidase assembly factor; minus strand). Cytogenetic location: 9q34.2.
Variant type: single nucleotide variant.
Coding change: c.324-19T>G on transcript NM_003172.4 (MANE Select); 19 bases into the intron before coding-DNA position 324, T replaced by G.
Molecular consequence: intron variant.
Genome position (GRCh38, 1-based): chr9:133,353,959, A>C on the plus strand (T>G on the coding strand, the complement: SURF1 is on the minus strand). VCF-style: chr9-133353959-A-C. GRCh37 (hg19) VCF-style: chr9-136220814-A-C.
Other names: c.-4-19T>G (NM_001280787.1).
Identifiers: ClinVar variation 1584065 (VCV001584065.9), dbSNP rs369080027, ClinGen allele CA860709659.
Genomic context (GRCh38, chr9:133,353,959, plus strand): 5'-ACCTTCACTGGCCTATACTCCAGATTTTTCAGTTCCATTGGGCTGCATGGAGATAAGAAC[A>C]GTGGCCGAGCAAGGTTTGGCTGGAAAACGAATCCCCTGAGGGTGGCAGACTACACAGCCC-3'